The following is an entry in ClinVar:

NM_016556.4(PSMC3IP):c.13C>T (p.Arg5Trp)

Genes: PSMC3IP (PSMC3 interacting protein; minus strand), LOC130060911 (ATAC-STARR-seq lymphoblastoid silent region 8538; plus strand). Cytogenetic location: 17q21.2.
Variant type: single nucleotide variant.
Coding change: c.13C>T on transcript NM_016556.4 (MANE Select); coding-DNA position 13, C replaced by T.
Protein change: p.Arg5Trp; replaces arginine 5 with tryptophan.
Molecular consequence: missense variant. On other transcripts: 5 prime UTR variant (3), non-coding transcript variant (3).
Genome position (GRCh38, 1-based): chr17:42,577,674, G>A on the plus strand (C>T on the coding strand, the complement: PSMC3IP is on the minus strand). VCF-style: chr17-42577674-G-A. GRCh37 (hg19) VCF-style: chr17-40729692-G-A.
Other names: c.-268C>T (NM_001256014.2); c.-358C>T (NM_001256015.2); c.-244C>T (NM_001256016.2); c.13C>T, p.Arg5Trp (NM_013290.7); short protein forms R5W.
Identifiers: ClinVar variation 2047076 (VCV002047076.6), dbSNP rs151097093, ClinGen allele CA8579181.

ClinVar aggregate classification (germline): Uncertain significance. Review status: criteria provided, multiple submitters, no conflicts (2 of 4 stars). 2 submissions from 2 submitters: Uncertain significance (2). Last evaluated 2025-04-13.

Allele frequency attached by ClinVar (database versions not stated): TOPMed 0.00019; 1000 Genomes Project 0.00020; 1000 Genomes Project 30x 0.00016; ExAC 0.00025; ESP Exome Variant Server 0.00031.

Submissions (2):

Ambry Genetics
Classification: Uncertain significance. Last evaluated: 2025-04-13. Review status: criteria provided, single submitter. Criteria: Ambry Variant Classification Scheme 2023. Collection method: clinical testing. Allele origin: germline.

Labcorp Genetics (formerly Invitae), Labcorp
Classification: Uncertain significance. Last evaluated: 2022-05-20. Review status: criteria provided, single submitter. Criteria: Invitae Variant Classification Sherloc (09022015). Collection method: clinical testing. Allele origin: germline.
Comment: This variant has not been reported in the literature in individuals affected with PSMC3IP-related conditions. This variant is present in population databases (rs151097093, gnomAD 0.08%). This sequence change replaces arginine, which is basic and polar, with tryptophan, which is neutral and slightly polar, at codon 5 of the PSMC3IP protein (p.Arg5Trp). Algorithms developed to predict the effect of missense changes on protein structure and function are either unavailable or do not agree on the potential impact of this missense change (SIFT: "Deleterious"; PolyPhen-2: "Probably Damaging"; Align-GVGD: "Class C0"). In summary, the available evidence is currently insufficient to determine the role of this variant in disease. Therefore, it has been classified as a Variant of Uncertain Significance.